The following is an entry in ClinVar:

ClinVar aggregate classification (germline): Conflicting classifications of pathogenicity. Review status: criteria provided, conflicting classifications (1 of 4 stars). 6 submissions from 6 submitters: Uncertain significance (1); Likely benign (5). Last evaluated 2025-10-28.

Conditions:
TTN-related disorder. Also called: TTN-related condition; TTN-related disease; TTN-related disorders.
Autosomal recessive limb-girdle muscular dystrophy type 2J (LGMDR10). Also called: Limb-girdle muscular dystrophy, type 2J; MUSCULAR DYSTROPHY, LIMB-GIRDLE, AUTOSOMAL RECESSIVE 10. Identifiers: Orphanet 140922, MedGen C1837342, MONDO:0012127, OMIM 608807.
Dilated cardiomyopathy 1G (CMD1G). Identifiers: Orphanet 154, MedGen C1858763, MONDO:0011400, OMIM 604145.

Allele frequency attached by ClinVar (database versions not stated): gnomAD exomes 0.00001 and 0.00002; gnomAD 0.00005 and 0.00006; TOPMed 0.00005; 1000 Genomes Project 30x 0.00016; 1000 Genomes Project 0.00020.
gnomAD v4.1: 21 of 1,613,416 alleles (0.0013%); highest among the groups gnomAD compares: African/African-American, 0.021%; no homozygotes.

Submissions (6):

Labcorp Genetics (formerly Invitae), Labcorp
Classification: Likely benign for Dilated cardiomyopathy 1G; Autosomal recessive limb-girdle muscular dystrophy type 2J. Last evaluated: 2025-10-28. Review status: criteria provided, single submitter. Criteria: Invitae Variant Classification Sherloc (09022015). Collection method: clinical testing. Allele origin: germline.

PreventionGenetics, part of Exact Sciences
Classification: Likely benign for TTN-related condition. Last evaluated: 2025-05-01. Review status: criteria provided, single submitter. Criteria: ACMG Guidelines, 2015. Collection method: clinical testing. Allele origin: germline.
Comment: This variant is classified as likely benign based on ACMG/AMP sequence variant interpretation guidelines (Richards et al. 2015 PMID: 25741868, with internal and published modifications).

Blueprint Genetics
Classification: Likely benign. Last evaluated: 2023-03-31. Review status: criteria provided, single submitter. Criteria: ACMG Guidelines, 2015. Collection method: clinical testing. Allele origin: germline.

Women's Health and Genetics/Laboratory Corporation of America, LabCorp
Classification: Likely benign. Last evaluated: 2022-02-07. Review status: criteria provided, single submitter. Criteria: LabCorp Variant Classification Summary - May 2015. Collection method: clinical testing. Allele origin: germline.
Comment: Variant summary: TTN c.23899T>C alters a non-conserved nucleotide resulting in a synonymous change. 4/4 computational tools predict no significant impact on normal splicing. However, these predictions have yet to be confirmed by functional studies. The variant allele was found at a frequency of 2e-05 in 248202 control chromosomes. The available data on variant occurrences in the general population are insufficient to allow any conclusion about variant significance. To our knowledge, no occurrence of c.23899T>C in individuals affected with Dilated Cardiomyopathy/Limb Girle Muscular Dystrophy/TTN-related disorders and no experimental evidence demonstrating its impact on protein function have been reported. Three clinical diagnostic laboratories have submitted clinical-significance assessments for this variant to ClinVar after 2014 without evidence for independent evaluation (Likely Benign, n=2, VUS, n=1). Based on the evidence outlined above, the variant was classified as likely benign.

GeneDx
Classification: Likely benign. Last evaluated: 2020-10-08. Review status: criteria provided, single submitter. Criteria: GeneDx Variant Classification Process June 2021. Collection method: clinical testing. Allele origin: germline. Affected: yes.

Eurofins Ntd Llc (ga)
Classification: Uncertain significance. Last evaluated: 2018-09-11. Review status: criteria provided, single submitter. Criteria: EGL ClinVar v180209 classification definitions. Collection method: clinical testing. Allele origin: germline. Observed: 2 variant alleles, 2 heterozygotes.

NM_001267550.2(TTN):c.27631T>C (p.Leu9211=)

Gene: TTN (titin; minus strand). Cytogenetic location: 2q31.2.
Variant type: single nucleotide variant.
Coding change: c.27631T>C on transcript NM_001267550.2 (MANE Select); coding-DNA position 27631, T replaced by C.
Protein change: p.Leu9211=; no amino-acid change (leucine 9211 retained).
Molecular consequence: synonymous variant. On other transcripts: intron variant (3).
Genome position (GRCh38, 1-based): chr2:178,712,199, A>G on the plus strand (T>C on the coding strand, the complement: TTN is on the minus strand). VCF-style: chr2-178712199-A-G. GRCh37 (hg19) VCF-style: chr2-179576926-A-G.
Other names: c.26680T>C, p.Leu8894= (NM_001256850.1); c.23899T>C, p.Leu7967= (NM_133378.4); c.13282+25883T>C (NM_003319.4); c.13858+25883T>C (NM_133437.4); c.13657+25883T>C (NM_133432.3).
Identifiers: ClinVar variation 466963 (VCV000466963.20), dbSNP rs563954136, ClinGen allele CA60965305.